The following is an entry in ClinVar:

NM_000540.3(RYR1):c.1524G>A (p.Glu508=)

Genes: RYR1 (ryanodine receptor 1; plus strand), LOC129391106 (MPRA-validated peak3472 silencer; plus strand). Cytogenetic location: 19q13.2.
Variant type: single nucleotide variant.
Coding change: c.1524G>A on transcript NM_000540.3 (MANE Select); coding-DNA position 1524, G replaced by A.
Protein change: p.Glu508=; no amino-acid change (glutamic acid 508 retained).
Molecular consequence: synonymous variant.
Genome position (GRCh38, 1-based): chr19:38,455,318, G>A. VCF-style: chr19-38455318-G-A. GRCh37 (hg19) VCF-style: chr19-38945958-G-A.
Other names: c.1524G>A, p.Glu508= (NM_001042723.2).
Identifiers: ClinVar variation 1543146 (VCV001543146.10), dbSNP rs371014065, ClinGen allele CA062070.

ClinVar aggregate classification (germline): Likely benign. Review status: criteria provided, multiple submitters, no conflicts (2 of 4 stars). 2 submissions from 2 submitters: Likely benign (2). Last evaluated 2024-04-25.

Conditions:
RYR1-related disorder. Also called: RYR1-related condition; RYR1-related disorders. Identifiers: MedGen CN239331.
Malignant hyperthermia, susceptibility to, 1 (MHS1). Also called: RYR1-Related Malignant Hyperthermia Susceptibility; Malignant hyperthermia suceptibility 1; Anesthesia related hyperthermia; Malignant hyperpyrexia; Fulminating hyperpyrexia; Pharmacogenic myopathy. Identifiers: Orphanet 423, MedGen C2930980, MONDO:0007783, OMIM 145600.

Allele frequency attached by ClinVar (database versions not stated): gnomAD exomes below 0.00001 and 0.00001; ExAC 0.00001; gnomAD 0.00001; TOPMed 0.00001; ESP Exome Variant Server 0.00008.
gnomAD v4.1: 6 of 1,613,994 alleles (0.00037%); highest among the groups gnomAD compares: African/African-American, 0.008%; no homozygotes.

Submissions (2):

All of Us Research Program, National Institutes of Health
Classification: Likely benign for Malignant hyperthermia, susceptibility to, 1. Last evaluated: 2024-04-25. Review status: criteria provided, single submitter. Criteria: ACMG Guidelines, 2015. Collection method: clinical testing. Allele origin: germline. Inheritance: Autosomal dominant inheritance. Observed: 2 variant alleles, 2 heterozygotes.
Comment: This study involves interpretation of variants in research participants for the purpose of population health screening. Participant phenotype was not available at the time of variant classification. Additional details can be found in publication PMID: 35346344, PMCID: PMC8962531

Labcorp Genetics (formerly Invitae), Labcorp
Classification: Likely benign for RYR1-related disorder. Last evaluated: 2023-07-17. Review status: criteria provided, single submitter. Criteria: Invitae Variant Classification Sherloc (09022015). Collection method: clinical testing. Allele origin: germline.